The following is an entry in ClinVar:

ClinVar aggregate classification (germline): Likely benign. Review status: criteria provided, multiple submitters, no conflicts (2 of 4 stars). 4 submissions from 4 submitters: Likely benign (3). 1 of the submissions does not count toward it. Last evaluated 2025-08-03.

Conditions:
MYH6-related disorder. Also called: MYH6-Related Disorders; MYH6-related condition.
Cardiovascular phenotype. Identifiers: MedGen CN230736.
Hypertrophic cardiomyopathy 14. Identifiers: MedGen C2750467, MONDO:0013197, OMIM 613251.

Allele frequency attached by ClinVar (database versions not stated): gnomAD exomes 0.00001 and 0.00002; ExAC 0.00002; gnomAD 0.00003; TOPMed 0.00005.
gnomAD v4.1: 13 of 1,613,634 alleles (0.00081%); highest among the groups gnomAD compares: East Asian, 0.0089%; no homozygotes.

Submissions (4):

Labcorp Genetics (formerly Invitae), Labcorp
Classification: Likely benign for Hypertrophic cardiomyopathy 14. Last evaluated: 2025-08-03. Review status: criteria provided, single submitter. Criteria: Invitae Variant Classification Sherloc (09022015). Collection method: clinical testing. Allele origin: germline.

Ambry Genetics
Classification: Likely benign for Cardiovascular phenotype. Last evaluated: 2019-12-18. Review status: criteria provided, single submitter. Criteria: Ambry Variant Classification Scheme 2023. Collection method: clinical testing. Allele origin: germline.

GeneDx
Classification: Likely benign. Last evaluated: 2019-12-05. Review status: criteria provided, single submitter. Criteria: GeneDx Variant Classification Process June 2021. Collection method: clinical testing. Allele origin: germline. Affected: yes.

PreventionGenetics, part of Exact Sciences
Classification: Likely benign for MYH6-related condition. Last evaluated: 2024-02-01. Review status: no assertion criteria provided. Collection method: clinical testing. Allele origin: germline. Not counted in ClinVar's aggregate classification.
Comment: This variant is classified as likely benign based on ACMG/AMP sequence variant interpretation guidelines (Richards et al. 2015 PMID: 25741868, with internal and published modifications).

NM_002471.4(MYH6):c.2127G>A (p.Lys709=)

Gene: MYH6 (myosin heavy chain 6; minus strand). Cytogenetic location: 14q11.2.
Variant type: single nucleotide variant.
Coding change: c.2127G>A on transcript NM_002471.4 (MANE Select); coding-DNA position 2127, G replaced by A.
Protein change: p.Lys709=; no amino-acid change (lysine 709 retained).
Molecular consequence: synonymous variant.
Genome position (GRCh38, 1-based): chr14:23,397,004, C>T on the plus strand (G>A on the coding strand, the complement: MYH6 is on the minus strand). VCF-style: chr14-23397004-C-T. GRCh37 (hg19) VCF-style: chr14-23866213-C-T.
Identifiers: ClinVar variation 506627 (VCV000506627.15), dbSNP rs765316931, ClinGen allele CA7115582.
Genomic context (GRCh38, chr14:23,397,004, plus strand): 5'-GGGGCACCCTCATACCCACCTCTGCCGGAAGTCCCCGTAGAGGATGCGGTTGGGGAAGCC[C>T]TTCCTGCAGATGCGGATGCCCTCCAGCACGCCATTGCAGCGCAGCTGGTGCATGACCAGG-3'
Protein context (NP_002462.2, residues 699-719): GVLEGIRICR[Lys709=]GFPNRILYGD